The following is an entry in ClinVar:

ClinVar aggregate classification (germline): Likely benign. Review status: criteria provided, multiple submitters, no conflicts (2 of 4 stars). 2 submissions from 2 submitters: Likely benign (2). Last evaluated 2026-01-28.

Conditions:
CCNO-related disorder. Also called: CCNO-related condition.
Primary ciliary dyskinesia. Also called: Ciliary dyskinesia. Identifiers: Orphanet 244, MedGen C0008780, MONDO:0016575, HP:0012265.

Allele frequency attached by ClinVar (database versions not stated): ESP Exome Variant Server 0.00055; gnomAD 0.00057; TOPMed 0.00064; 1000 Genomes Project 30x 0.00094; 1000 Genomes Project 0.00120.

Submissions (2):

Labcorp Genetics (formerly Invitae), Labcorp
Classification: Likely benign for Primary ciliary dyskinesia. Last evaluated: 2026-01-28. Review status: criteria provided, single submitter. Criteria: Invitae Variant Classification Sherloc (09022015). Collection method: clinical testing. Allele origin: germline.

PreventionGenetics, part of Exact Sciences
Classification: Likely benign for CCNO-related condition. Last evaluated: 2025-09-20. Review status: criteria provided, single submitter. Criteria: ACMG Guidelines, 2015. Collection method: clinical testing. Allele origin: germline.
Comment: This variant is classified as likely benign based on ACMG/AMP sequence variant interpretation guidelines (Richards et al. 2015 PMID: 25741868, with internal and published modifications).

NM_021147.5(CCNO):c.264G>T (p.Gln88His)

Genes: CCNO (cyclin O; minus strand), LOC129993895 (ATAC-STARR-seq lymphoblastoid silent region 16013; plus strand). Cytogenetic location: 5q11.2.
Variant type: single nucleotide variant.
Coding change: c.264G>T on transcript NM_021147.5 (MANE Select); coding-DNA position 264, G replaced by T.
Protein change: p.Gln88His; replaces glutamine 88 with histidine.
Molecular consequence: missense variant. On other transcripts: non-coding transcript variant (2).
Genome position (GRCh38, 1-based): chr5:55,233,260, C>A on the plus strand (G>T on the coding strand, the complement: CCNO is on the minus strand). VCF-style: chr5-55233260-C-A. GRCh37 (hg19) VCF-style: chr5-54529088-C-A.
Other names: short protein forms Q88H.
Identifiers: ClinVar variation 525413 (VCV000525413.13), dbSNP rs200127292, ClinGen allele CA3266820.
Genomic context (GRCh38, chr5:55,233,260, plus strand): 5'-GAAGGCGTAGCAGCTCTGGCCGTAGTCGCGGAAGGTCTGTAGATCTAGCTGCGCCACGGG[C>A]TGGGCCGGGCCGGGCAGGGGGCTACCACCCCGCGCCGCAGAGGGGCTCTCTGCGCCGTCT-3'
Protein context (NP_066970.3, residues 78-98): RGGSPLPGPA[Gln88His]PVAQLDLQTF